The following is an entry in ClinVar:

ClinVar aggregate classification (germline): Likely benign. Review status: criteria provided, multiple submitters, no conflicts (2 of 4 stars). 3 submissions from 3 submitters: Likely benign (3). Last evaluated 2022-04-01.

Allele frequency attached by ClinVar (database versions not stated): gnomAD 0.00004 and 0.00006; ExAC 0.00005; gnomAD exomes 0.00005 and 0.00006; TOPMed 0.00005; 1000 Genomes Project 30x 0.00042; 1000 Genomes Project 0.00053.
gnomAD v4.1: 70 of 1,209,298 alleles (0.0058%); highest among the groups gnomAD compares: Middle Eastern, 0.069%; no homozygotes.

Submissions (3):

CeGaT Center for Human Genetics Tuebingen
Classification: Likely benign. Last evaluated: 2022-04-01. Review status: criteria provided, single submitter. Criteria: CeGaT Center For Human Genetics Tuebingen Variant Classification Criteria Version 2. Collection method: clinical testing. Allele origin: germline. Affected: yes. Observed: 1 variant allele.
Comment: GABRE: BP4, BP7

Labcorp Genetics (formerly Invitae), Labcorp
Classification: Likely benign. Last evaluated: 2018-05-14. Review status: criteria provided, single submitter. Criteria: Invitae Variant Classification Sherloc (09022015). Collection method: clinical testing. Allele origin: germline.

Breakthrough Genomics
Classification: Likely benign. Review status: criteria provided, single submitter. Criteria: ACMG Guidelines, 2015. Collection method: not provided. Allele origin: germline. Inheritance: Unknown mechanism. Affected: yes.

NM_004961.4(GABRE):c.402C>T (p.Asn134=)

Gene: GABRE (gamma-aminobutyric acid type A receptor subunit epsilon; minus strand). Cytogenetic location: Xq28.
Variant type: single nucleotide variant.
Coding change: c.402C>T on transcript NM_004961.4 (MANE Select); coding-DNA position 402, C replaced by T.
Protein change: p.Asn134=; no amino-acid change (asparagine 134 retained).
Molecular consequence: synonymous variant.
Genome position (GRCh38, 1-based): chrX:151,962,584, G>A on the plus strand (C>T on the coding strand, the complement: GABRE is on the minus strand). VCF-style: chrX-151962584-G-A. GRCh37 (hg19) VCF-style: chrX-151131056-G-A.
Identifiers: ClinVar variation 741586 (VCV000741586.28), dbSNP rs200914254, ClinGen allele CA10542617.
Genomic context (GRCh38, chrX:151,962,584, plus strand): 5'-GTCCGGGATCCATAGCTGGCTCACCACATTGCCATTCAGAACAAGAGACTCAAAGGTGTC[G>A]TTGTAACAGAGGCGTTCGTCGTACCAGGTCTGGGAGAAGATGATGTCAATGGTGTATTCC-3'
Protein context (NP_004952.2, residues 124-144): QTWYDERLCY[Asn134=]DTFESLVLNG